The following is an entry in ClinVar:

NM_032447.5(FBN3):c.7399G>A (p.Ala2467Thr)

Gene: FBN3 (fibrillin 3; minus strand). Cytogenetic location: 19p13.2.
Variant type: single nucleotide variant.
Coding change: c.7399G>A on transcript NM_032447.5 (MANE Select); coding-DNA position 7399, G replaced by A.
Protein change: p.Ala2467Thr; replaces alanine 2467 with threonine.
Molecular consequence: missense variant.
Genome position (GRCh38, 1-based): chr19:8,081,057, C>T on the plus strand (G>A on the coding strand, the complement: FBN3 is on the minus strand). VCF-style: chr19-8081057-C-T. GRCh37 (hg19) VCF-style: chr19-8145941-C-T.
Other names: c.7399G>A, p.Ala2467Thr (NM_001321431.2); short protein forms A2467T.
Identifiers: ClinVar variation 3694249 (VCV003694249.2).

ClinVar aggregate classification (germline): Uncertain significance (1 of 4 stars; one submission).

gnomAD v4.1: 11 of 1,613,344 alleles (0.00068%); highest among the groups gnomAD compares: African/African-American, 0.013%; no homozygotes.

Submission:

Labcorp Genetics (formerly Invitae), Labcorp
Classification: Uncertain significance. Last evaluated: 2025-06-12. Review status: criteria provided, single submitter. Criteria: Invitae Variant Classification Sherloc (09022015). Collection method: clinical testing. Allele origin: germline.
Comment: This sequence change replaces alanine, which is neutral and non-polar, with threonine, which is neutral and polar, at codon 2467 of the FBN3 protein (p.Ala2467Thr). The frequency data for this variant in the population databases is considered unreliable, as metrics indicate poor data quality at this position in the gnomAD database. This variant has not been reported in the literature in individuals affected with FBN3-related conditions. ClinVar contains an entry for this variant (Variation ID: 3694249). An algorithm developed to predict the effect of missense changes on protein structure and function outputs the following: PolyPhen-2: "Benign". The threonine amino acid residue is found in multiple mammalian species, which suggests that this missense change does not adversely affect protein function. In summary, the available evidence is currently insufficient to determine the role of this variant in disease. Therefore, it has been classified as a Variant of Uncertain Significance.